The following is an entry in ClinVar:

ClinVar aggregate classification (germline): Uncertain significance. Review status: criteria provided, multiple submitters, no conflicts (2 of 4 stars). 2 submissions from 2 submitters: Uncertain significance (2). Last evaluated 2024-04-04.

Conditions:
Inborn genetic diseases. Identifiers: MedGen C0950123, MeSH D030342.
DOCK2 deficiency. Also called: Immunodeficiency 40. Identifiers: Orphanet 447737, MedGen C4225328, MONDO:0014637, OMIM 616433.

Allele frequency attached by ClinVar (database versions not stated): gnomAD 0.00001; ExAC 0.00002; gnomAD exomes 0.00002 and 0.00004; TOPMed 0.00004.
gnomAD v4.1: 26 of 1,610,682 alleles (0.0016%); highest among the groups gnomAD compares: Admixed American, 0.0084%; no homozygotes.

Submissions (2):

Ambry Genetics
Classification: Uncertain significance for Inborn genetic diseases. Last evaluated: 2024-04-04. Review status: criteria provided, single submitter. Criteria: Ambry Variant Classification Scheme 2023. Collection method: clinical testing. Allele origin: germline.

Labcorp Genetics (formerly Invitae), Labcorp
Classification: Uncertain significance for DOCK2 deficiency. Last evaluated: 2023-07-14. Review status: criteria provided, single submitter. Criteria: Invitae Variant Classification Sherloc (09022015). Collection method: clinical testing. Allele origin: germline.
Comment: This sequence change replaces valine, which is neutral and non-polar, with methionine, which is neutral and non-polar, at codon 984 of the DOCK2 protein (p.Val984Met). This variant is present in population databases (rs768478391, gnomAD 0.01%). This variant has not been reported in the literature in individuals affected with DOCK2-related conditions. ClinVar contains an entry for this variant (Variation ID: 1517859). An algorithm developed to predict the effect of missense changes on protein structure and function (PolyPhen-2) suggests that this variant is likely to be disruptive. In summary, the available evidence is currently insufficient to determine the role of this variant in disease. Therefore, it has been classified as a Variant of Uncertain Significance.

NM_004946.3(DOCK2):c.2950G>A (p.Val984Met)

Gene: DOCK2 (dedicator of cytokinesis 2; plus strand). Cytogenetic location: 5q35.1.
Variant type: single nucleotide variant.
Coding change: c.2950G>A on transcript NM_004946.3 (MANE Select); coding-DNA position 2950, G replaced by A.
Protein change: p.Val984Met; replaces valine 984 with methionine.
Molecular consequence: missense variant. On other transcripts: non-coding transcript variant (1).
Genome position (GRCh38, 1-based): chr5:169,985,879, G>A. VCF-style: chr5-169985879-G-A. GRCh37 (hg19) VCF-style: chr5-169412883-G-A.
Other names: c.2950G>A (NM_004946.2); short protein forms V984M.
Identifiers: ClinVar variation 1517859 (VCV001517859.5), dbSNP rs768478391, ClinGen allele CA3554043.